The following is an entry in ClinVar:

NM_007294.4(BRCA1):c.441+1G>C

Gene: BRCA1 (BRCA1 DNA repair associated; minus strand). Cytogenetic location: 17q21.31.
Variant type: single nucleotide variant.
Coding change: c.441+1G>C on transcript NM_007294.4 (MANE Select); the canonical splice donor site of the intron after coding-DNA position 441, G replaced by C.
Molecular consequence: splice donor variant. On other transcripts: intron variant (2).
Genome position (GRCh38, 1-based): chr17:43,104,121, C>G on the plus strand (G>C on the coding strand, the complement: BRCA1 is on the minus strand). VCF-style: chr17-43104121-C-G. GRCh37 (hg19) VCF-style: chr17-41256138-C-G.
Other names: c.300+1G>C (NM_001408458.1, NM_001407931.1, NM_001407747.1 and 99 more transcripts); c.-218-9261G>C (NM_001407967.1, NM_001407966.1); c.60+1G>C (NM_001407959.1, NM_001407962.1, NM_001408512.1 and 4 more transcripts); c.231+1G>C (NM_001407885.1, NM_001407886.1, NM_001407898.1 and 58 more transcripts); c.441+1G>C (NM_001407686.1, NM_001408397.1, NM_001407632.1 and 164 more transcripts); c.309+1G>C (NM_001408451.1); c.363+1G>C (NM_001408475.1, NM_001407875.1, NM_001407659.1 and 21 more transcripts); c.432+1G>C (NM_001408408.1, NM_001407647.1, NM_001407646.1).
Identifiers: ClinVar variation 1740400 (VCV001740400.3), dbSNP rs397509172, ClinGen allele CA10601265.

ClinVar aggregate classification (germline): Likely pathogenic. Review status: criteria provided, multiple submitters, no conflicts (2 of 4 stars). 2 submissions from 2 submitters: Likely pathogenic (2). Last evaluated 2023-12-18.

Conditions:
Hereditary cancer-predisposing syndrome. Also called: Hereditary Cancer Syndrome; Hereditary neoplastic syndrome; Neoplastic Syndromes, Hereditary; Tumor predisposition. Identifiers: Orphanet 140162, MedGen C0027672, MeSH D009386, MONDO:0015356.
Hereditary breast ovarian cancer syndrome. Also called: Hereditary breast and ovarian cancer syndrome (HBOC); Hereditary breast and ovarian cancer syndrome; Breast and ovarian cancer; Hereditary breast and/or ovarian cancer syndrome; Hereditary breast and ovarian cancer; BRCA1- and BRCA2-Associated Hereditary Breast and Ovarian Cancer. Identifiers: Orphanet 145, MedGen C0677776, MeSH D061325, MONDO:0003582. Disease mechanism: loss of function.

Submissions (2):

Women's Health and Genetics/Laboratory Corporation of America, LabCorp
Classification: Likely pathogenic for Hereditary breast ovarian cancer syndrome. Last evaluated: 2023-12-18. Review status: criteria provided, single submitter. Criteria: LabCorp Variant Classification Summary - May 2015. Collection method: clinical testing. Allele origin: germline.
Comment: Variant summary: BRCA1 c.441+1G>C is located in a canonical splice-site and is predicted to affect mRNA splicing resulting in a significantly altered protein due to either exon skipping, shortening, or inclusion of intronic material. Several computational tools predict a significant impact on normal splicing: One predict the variant abolishes a canonical 5' splicing donor site. However, these predictions have yet to be confirmed by functional studies. The variant was absent in 250660 control chromosomes (gnomAD). c.441+1G>C has been reported in the literature in at-least one individual affected with Hereditary Breast And Ovarian Cancer Syndrome (example: ha_2020). The following publication has been ascertained in the context of this evaluation (PMID: 33078592). One submitter has cited clinical-significance assessments for this variant to ClinVar after 2014 and has classified the variant as likely pathogenic. Based on the evidence outlined above, the variant was classified as likely pathogenic.

Ambry Genetics
Classification: Likely pathogenic for Hereditary cancer-predisposing syndrome. Last evaluated: 2017-10-20. Review status: criteria provided, single submitter. Criteria: Ambry Variant Classification Scheme 2023. Collection method: clinical testing. Allele origin: germline.
Comment: The c.441+1G>C intronic variant results from a G to C substitution one nucleotide after coding exon 5 of the BRCA1 gene. This nucleotide position is highly conserved in available vertebrate species. Using the BDGP and ESEfinder splice site prediction tools, this alteration is predicted to abolish the native splice donor site; however, direct evidence is unavailable. Alterations that disrupt the canonical splice site are expected to cause aberrant splicing, resulting in an abnormal protein or a transcript that is subject to nonsense-mediated mRNA decay. As such, this alteration is classified as likely pathogenic.

Literature cited by the submitters: PubMed 33078592 (cited by Women's Health and Genetics/Laboratory Corporation of America, LabCorp).